The following is an entry in ClinVar:

NM_003070.5(SMARCA2):c.3457-2A>T

Gene: SMARCA2 (SWI/SNF related BAF chromatin remodeling complex subunit ATPase 2; plus strand). Cytogenetic location: 9p24.3.
Variant type: single nucleotide variant.
Coding change: c.3457-2A>T on transcript NM_003070.5 (MANE Select); the canonical splice acceptor site of the intron before coding-DNA position 3457, A replaced by T.
Molecular consequence: splice acceptor variant.
Genome position (GRCh38, 1-based): chr9:2,115,820, A>T. VCF-style: chr9-2115820-A-T. GRCh37 (hg19) VCF-style: chr9-2115820-A-T.
Other names: SNF2L2; c.3457-2A>T (NM_139045.4, NM_001289396.2); c.3283-2A>T (NM_001289397.2).
Identifiers: ClinVar variation 981460 (VCV000981460.3), dbSNP rs1823192606, ClinGen allele CA372788568.

ClinVar aggregate classification (germline): Likely pathogenic (1 of 4 stars; one submission).

Conditions:
Nicolaides-Baraitser syndrome (NCBRS). Also called: SMARCA2-Related Nicolaides-Baraitser Syndrome; Intellectual disability-sparse hair-brachydactyly syndrome. Identifiers: Orphanet 3051, MedGen C1303073, MONDO:0011053, OMIM 601358.

Submission:

Institute of Human Genetics, University of Goettingen
Classification: Likely pathogenic for Nicolaides-Baraitser syndrome. Last evaluated: 2020-08-07. Review status: criteria provided, single submitter. Criteria: ACMG Guidelines, 2015. Collection method: clinical testing. Allele origin: unknown. Inheritance: Autosomal dominant inheritance. Affected: yes. Observed: 1 heterozygote.
Comment: The SMARCA2 variant c.3457-2A>T (p.(?)) is not found in known databases (ExAC or gnomAD). This substitution is located in the acceptor splice site of intron 24. The consequence of this change is not predictable, but a skip of exon 25 is very likely. After the possible exon skipping of exon 25 of the SMARCA2 gene, the sequence remains in-frame, so that this may lead to a milder expression of the disease. The mutation (most likely) leads to a splice defect. The splice site prediction programs predict a change in splicing. ACMG criteria used for classification: PVS1_vstr, PM2.